The following is an entry in ClinVar:

NM_000368.5(TSC1):c.1871C>T (p.Thr624Ile)

Gene: TSC1 (TSC complex subunit 1; minus strand). Cytogenetic location: 9q34.13.
Variant type: single nucleotide variant.
Coding change: c.1871C>T on transcript NM_000368.5 (MANE Select); coding-DNA position 1871, C replaced by T.
Protein change: p.Thr624Ile; replaces threonine 624 with isoleucine.
Molecular consequence: missense variant.
Genome position (GRCh38, 1-based): chr9:132,905,707, G>A on the plus strand (C>T on the coding strand, the complement: TSC1 is on the minus strand). VCF-style: chr9-132905707-G-A. GRCh37 (hg19) VCF-style: chr9-135781094-G-A.
Other names: c.1868C>T, p.Thr623Ile (NM_001162426.2); c.1718C>T, p.Thr573Ile (NM_001162427.2); c.1508C>T, p.Thr503Ile (NM_001362177.2); short protein forms T624I, T573I, T623I, T503I.
Identifiers: ClinVar variation 466045 (VCV000466045.18), dbSNP rs754401816, ClinGen allele CA029981.
Genomic context (GRCh38, chr9:132,905,707, plus strand): 5'-GAGGTAGAGGGCACACCATCTTCCTCTGTGTTTCCTTTTGCTTTCTTTAACAGCTCCTCA[G>A]TCTTCCTGATGACAAAATGATGGGCTGTCTTTGGCAATGCCACCTCAAAAAGATGATCAT-3'
Protein context (NP_000359.1, residues 614-634): KTAHHFVIRK[Thr624Ile]EELLKKAKGN

ClinVar aggregate classification (germline): Conflicting classifications of pathogenicity. Review status: criteria provided, conflicting classifications (1 of 4 stars). 5 submissions from 5 submitters: Uncertain significance (4); Likely benign (1). Last evaluated 2025-09-16.

Conditions:
Tuberous sclerosis syndrome (TSC). Also called: Tuberous Sclerosis Complex; Tuberous sclerosis. Identifiers: Orphanet 805, MedGen C0041341, MONDO:0001734.
Tuberous sclerosis 1 (TSC1). Identifiers: Orphanet 805, MedGen C1854465, MONDO:0008612, OMIM 191100.
Hereditary cancer-predisposing syndrome. Also called: Hereditary neoplastic syndrome; Neoplastic Syndromes, Hereditary; Tumor predisposition; Hereditary Cancer Syndrome. Identifiers: Orphanet 140162, MedGen C0027672, MeSH D009386, MONDO:0015356.

Allele frequency attached by ClinVar (database versions not stated): gnomAD exomes below 0.00001; ExAC 0.00001; gnomAD 0.00001; TOPMed 0.00001.
gnomAD v4.1: 2 of 1,614,012 alleles (0.00012%); highest among the groups gnomAD compares: Admixed American, 0.0033%; no homozygotes.

Submissions (5):

Labcorp Genetics (formerly Invitae), Labcorp
Classification: Likely benign for Tuberous sclerosis 1. Last evaluated: 2025-09-16. Review status: criteria provided, single submitter. Criteria: Invitae Variant Classification Sherloc (09022015). Collection method: clinical testing. Allele origin: germline.

Ambry Genetics
Classification: Uncertain significance for Hereditary cancer-predisposing syndrome. Last evaluated: 2024-08-29. Review status: criteria provided, single submitter. Criteria: Ambry Variant Classification Scheme 2023. Collection method: clinical testing. Allele origin: germline.
Comment: The p.T624I variant (also known as c.1871C>T), located in coding exon 13 of the TSC1 gene, results from a C to T substitution at nucleotide position 1871. The threonine at codon 624 is replaced by isoleucine, an amino acid with similar properties. This amino acid position is highly conserved in available vertebrate species. In addition, this alteration is predicted to be deleterious by in silico analysis. Based on the available evidence, the clinical significance of this variant remains unclear.

All of Us Research Program, National Institutes of Health
Classification: Uncertain significance for Tuberous sclerosis syndrome. Last evaluated: 2023-11-30. Review status: criteria provided, single submitter. Criteria: ACMG Guidelines, 2015. Collection method: clinical testing. Allele origin: germline. Inheritance: Autosomal dominant inheritance. Observed: 1 variant allele, 1 heterozygote.
Comment: This study involves interpretation of variants in research participants for the purpose of population health screening. Participant phenotype was not available at the time of variant classification. Additional details can be found in publication PMID: 35346344, PMCID: PMC8962531

GeneDx
Classification: Uncertain significance. Last evaluated: 2023-03-28. Review status: criteria provided, single submitter. Criteria: GeneDx Variant Classification Process June 2021. Collection method: clinical testing. Allele origin: germline. Affected: yes.
Comment: In silico analysis supports that this missense variant has a deleterious effect on protein structure/function; Has not been previously published as pathogenic or benign to our knowledge

Genome-Nilou Lab
Classification: Uncertain significance for Tuberous sclerosis 1. Last evaluated: 2021-11-07. Review status: criteria provided, single submitter. Criteria: ACMG Guidelines, 2015. Collection method: clinical testing. Allele origin: germline. Affected: no.